The following is an entry in ClinVar:

NM_014236.4(GNPAT):c.*18T>C

Gene: GNPAT (glyceronephosphate O-acyltransferase; plus strand). Cytogenetic location: 1q42.2.
Variant type: single nucleotide variant.
Coding change: c.*18T>C on transcript NM_014236.4 (MANE Select); 18 bases downstream of the stop codon, T replaced by C.
Molecular consequence: 3 prime UTR variant.
Genome position (GRCh38, 1-based): chr1:231,277,560, T>C. VCF-style: chr1-231277560-T-C. GRCh37 (hg19) VCF-style: chr1-231413306-T-C.
Other names: c.*18T>C (NM_001316350.2).
Identifiers: ClinVar variation 875098 (VCV000875098.6), dbSNP rs150776112, ClinGen allele CA1452211.
Genomic context (GRCh38, chr1:231,277,560, plus strand): 5'-TTGTAAGACACCAATAGGAAAACCAGCCACTGCAAAACTTTAATAATCAACAAATAGTTA[T>C]GGAAAATTCGGTCACGTAATTACTCTCATCGAAGGACTCATTACAACAAACAGGGAAGTA-3'

ClinVar aggregate classification (germline): Benign/Likely benign. Review status: criteria provided, multiple submitters, no conflicts (2 of 4 stars). 2 submissions from 2 submitters: Benign (1); Likely benign (1). Last evaluated 2018-10-25.

Conditions:
Rhizomelic chondrodysplasia punctata type 2 (RCDP2). Also called: glyceronephosphate O-acyltransferase (GNPAT) deficiency; Glyceronephosphate O-acyltransferase deficiency; PEROXISOMAL DIHYDROXYACETONEPHOSPHATE ACYLTRANSFERASE DEFICIENCY; Chondrodysplasia punctata, rhizomelic, due to dihydroxyacetonephosphate acyltransferase deficiency; DHAPAT DEFICIENCY; DIHYDROXYACETONEPHOSPHATE ACYLTRANSFERASE DEFICIENCY. Identifiers: Orphanet 177, Orphanet 309796, MedGen C1857242, MONDO:0100273, OMIM 222765. Disease mechanism: loss of function.

Allele frequency attached by ClinVar (database versions not stated): ESP Exome Variant Server 0.00015; TOPMed 0.00124; ExAC 0.00183; 1000 Genomes Project 30x 0.00297; 1000 Genomes Project 0.00359.

Submissions (2):

GeneDx
Classification: Likely benign. Last evaluated: 2018-10-25. Review status: criteria provided, single submitter. Criteria: GeneDx Variant Classification Process June 2021. Collection method: clinical testing. Allele origin: germline. Affected: yes.

Illumina Laboratory Services, Illumina
Classification: Benign for Rhizomelic chondrodysplasia punctata type 2. Last evaluated: 2018-01-13. Review status: criteria provided, single submitter. Criteria: ICSL Variant Classification Criteria 13 December 2019. Collection method: clinical testing. Allele origin: germline.
Comment: This variant was observed in the ICSL laboratory as part of a predisposition screen in an ostensibly healthy population. It had not been previously curated by ICSL or reported in the Human Gene Mutation Database (HGMD: prior to June 1st, 2018), and was therefore a candidate for classification through an automated scoring system. Utilizing variant allele frequency, disease prevalence and penetrance estimates, and inheritance mode, an automated score was calculated to assess if this variant is too frequent to cause the disease. Based on the score and internal cut-off values, a variant classified as benign is not then subjected to further curation. The score for this variant resulted in a classification of benign for this disease.